The following is an entry in ClinVar:

ClinVar aggregate classification (germline): Uncertain significance. Review status: criteria provided, multiple submitters, no conflicts (2 of 4 stars). 2 submissions from 2 submitters: Uncertain significance (2). Last evaluated 2023-07-04.

Conditions:
Cohen syndrome (COH1). Also called: PEPPER SYNDROME; Cutis verticis gyrata, retinitis pigmentosa, and sensorineural deafness. Identifiers: Orphanet 193, MedGen C0265223, MONDO:0008999, OMIM 216550.
VPS13B-related disorder. Also called: VPS13B-related condition.

Allele frequency attached by ClinVar (database versions not stated): gnomAD exomes 0.00001; TOPMed 0.00002; gnomAD 0.00003 and 0.00004.
gnomAD v4.1: 13 of 1,613,672 alleles (0.00081%); highest among the groups gnomAD compares: African/African-American, 0.0067%; no homozygotes.

Submissions (2):

PreventionGenetics, part of Exact Sciences
Classification: Uncertain significance for VPS13B-related condition. Last evaluated: 2023-07-04. Review status: criteria provided, single submitter. Criteria: ACMG Guidelines, 2015. Collection method: clinical testing. Allele origin: germline.
Comment: The VPS13B c.5044A>G variant is predicted to result in the amino acid substitution p.Lys1682Glu. This variant, along with variants in multiple other genes, was reported in an individual with primary immunodeficiency [Reported as VPS13B c.5119A>G (p.Lys1707Glu) via NM_017890.4, Chi et al. 2018. PubMed ID: 30290665]. This variant is reported in 0.0040% of alleles in individuals of African descent in gnomAD. At this time, the clinical significance of this variant is uncertain due to the absence of conclusive functional and genetic evidence.

Labcorp Genetics (formerly Invitae), Labcorp
Classification: Uncertain significance for Cohen syndrome. Last evaluated: 2022-06-29. Review status: criteria provided, single submitter. Criteria: Invitae Variant Classification Sherloc (09022015). Collection method: clinical testing. Allele origin: germline.
Comment: This sequence change replaces lysine, which is basic and polar, with glutamic acid, which is acidic and polar, at codon 1707 of the VPS13B protein (p.Lys1707Glu). This variant is present in population databases (no rsID available, gnomAD 0.004%). This missense change has been observed in individual(s) with VPS13B-related conditions (PMID: 30290665). Algorithms developed to predict the effect of missense changes on protein structure and function are either unavailable or do not agree on the potential impact of this missense change (SIFT: "Not Available"; PolyPhen-2: "Possibly Damaging"; Align-GVGD: "Not Available"). In summary, the available evidence is currently insufficient to determine the role of this variant in disease. Therefore, it has been classified as a Variant of Uncertain Significance.

Literature cited by the submitters: PubMed 30290665 (cited by Labcorp Genetics (formerly Invitae), Labcorp).

NM_152564.5(VPS13B):c.5044A>G (p.Lys1682Glu)

Gene: VPS13B (vacuolar protein sorting 13 homolog B; plus strand). Cytogenetic location: 8q22.2.
Variant type: single nucleotide variant.
Coding change: c.5044A>G on transcript NM_152564.5 (MANE Select); coding-DNA position 5044, A replaced by G.
Protein change: p.Lys1682Glu; replaces lysine 1682 with glutamic acid.
Molecular consequence: missense variant.
Genome position (GRCh38, 1-based): chr8:99,575,752, A>G. VCF-style: chr8-99575752-A-G. GRCh37 (hg19) VCF-style: chr8-100587980-A-G.
Other names: c.5044A>G (NM_152564.4); c.5119A>G, p.Lys1707Glu (NM_017890.5); short protein forms K1707E, K1682E.
Identifiers: ClinVar variation 1359166 (VCV001359166.5), dbSNP rs965365158, ClinGen allele CA182998659.